The following is an entry in ClinVar:

ClinVar aggregate classification (germline): Conflicting classifications of pathogenicity. Review status: criteria provided, conflicting classifications (1 of 4 stars). 2 submissions from 2 submitters: Uncertain significance (1); Likely benign (1). Last evaluated 2024-08-12.

Conditions:
Autosomal dominant nocturnal frontal lobe epilepsy 5. Also called: CILIARY DYSKINESIA, PRIMARY, 28, WITHOUT SITUS INVERSUS; CILIARY DYSKINESIA, PRIMARY, 28, WITH SITUS INVERSUS; KCNT1-Related Epilepsy; Epilepsy, nocturnal frontal lobe, 5. Identifiers: Orphanet 98784, MedGen C3554306, MONDO:0014002, OMIM 615005.
Developmental and epileptic encephalopathy, 14 (DEE14). Also called: Early infantile epileptic encephalopathy 14. Identifiers: Orphanet 293181, MedGen C3554195, MONDO:0013989, OMIM 614959.

Allele frequency attached by ClinVar (database versions not stated): gnomAD exomes below 0.00001.
gnomAD v4.1: 1 of 1,613,080 alleles (0.000062%); highest among the groups gnomAD compares: Non-Finnish European, 0.000085%; no homozygotes.

Submissions (2):

Labcorp Genetics (formerly Invitae), Labcorp
Classification: Likely benign for Autosomal dominant nocturnal frontal lobe epilepsy 5; Developmental and epileptic encephalopathy, 14. Last evaluated: 2024-08-12. Review status: criteria provided, single submitter. Criteria: Invitae Variant Classification Sherloc (09022015). Collection method: clinical testing. Allele origin: germline.

Center for Genomics, Ann and Robert H. Lurie Children's Hospital of Chicago
Classification: Uncertain significance for Developmental and epileptic encephalopathy, 14; Autosomal dominant nocturnal frontal lobe epilepsy 5. Review status: criteria provided, single submitter. Criteria: ACMG Guidelines, 2015. Collection method: clinical testing. Allele origin: germline.
Comment: This variant has not been reported in the literature and is not present in large control databases. This variant is present in ClinVar (Variation ID:1644539). Evolutionary conservation and computational predictive tools for this variant are limited or unavailable. Of note, this variant is a silent variant and does not change the amino acid, reducing the probability that this variant is disease causing. In summary, data on this variant is insufficient for disease classification. Therefore, the clinical significance of this variant is uncertain.

NM_020822.3(KCNT1):c.3174C>T (p.Ala1058=)

Gene: KCNT1 (potassium sodium-activated channel subfamily T member 1; plus strand). Cytogenetic location: 9q34.3.
Variant type: single nucleotide variant.
Coding change: c.3174C>T on transcript NM_020822.3 (MANE Select); coding-DNA position 3174, C replaced by T.
Protein change: p.Ala1058=; no amino-acid change (alanine 1058 retained).
Molecular consequence: synonymous variant.
Genome position (GRCh38, 1-based): chr9:135,785,327, C>T. VCF-style: chr9-135785327-C-T. GRCh37 (hg19) VCF-style: chr9-138677173-C-T.
Other names: c.3039C>T, p.Ala1013= (NM_001272003.2).
Identifiers: ClinVar variation 1644539 (VCV001644539.9), dbSNP rs2131577612, ClinGen allele CA467698869.
Genomic context (GRCh38, chr9:135,785,327, plus strand): 5'-GGGTGCGCCCACAGGTCCCAGACTGCGCCTGTTTCCTTTGCAGCCCCACGACCTCAGAGC[C>T]CAGGTAAGCAACCCCTCCGTGCCCACGCAGCTTCTGCGGAGCACCAGAACATCGCAGCTT-3'
Protein context (NP_065873.2, residues 1048-1068): FSTSEPHDLR[Ala1058=]QSQISVNVED